The following is an entry in ClinVar:

ClinVar aggregate classification (germline): Uncertain significance (1 of 4 stars; one submission).

Submission:

Labcorp Genetics (formerly Invitae), Labcorp
Classification: Uncertain significance. Last evaluated: 2022-03-20. Review status: criteria provided, single submitter. Criteria: Invitae Variant Classification Sherloc (09022015). Collection method: clinical testing. Allele origin: germline.
Comment: In summary, the available evidence is currently insufficient to determine the role of this variant in disease. Therefore, it has been classified as a Variant of Uncertain Significance. Algorithms developed to predict the effect of missense changes on protein structure and function are either unavailable or do not agree on the potential impact of this missense change (SIFT: "Deleterious"; PolyPhen-2: "Not Available"; Align-GVGD: "Class C0"). This variant has not been reported in the literature in individuals affected with LAGE3-related conditions. The frequency data for this variant in the population databases is considered unreliable, as metrics indicate insufficient coverage at this position in the gnomAD database. This sequence change replaces arginine, which is basic and polar, with tryptophan, which is neutral and slightly polar, at codon 2 of the LAGE3 protein (p.Arg2Trp).

NM_006014.5(LAGE3):c.4C>T (p.Arg2Trp)

Gene: LAGE3 (L antigen family member 3; minus strand). Cytogenetic location: Xq28.
Variant type: single nucleotide variant.
Coding change: c.4C>T on transcript NM_006014.5 (MANE Select); coding-DNA position 4, C replaced by T.
Protein change: p.Arg2Trp; replaces arginine 2 with tryptophan.
Molecular consequence: missense variant.
Genome position (GRCh38, 1-based): chrX:154,478,912, G>A on the plus strand (C>T on the coding strand, the complement: LAGE3 is on the minus strand). VCF-style: chrX-154478912-G-A. GRCh37 (hg19) VCF-style: chrX-153707251-G-A.
Other names: short protein forms R2W.
Identifiers: ClinVar variation 1900757 (VCV001900757.5), dbSNP rs1252909989, ClinGen allele CA415195249.